The following is an entry in ClinVar:

ClinVar aggregate classification (germline): Uncertain significance (1 of 4 stars; one submission).

Allele frequency attached by ClinVar (database versions not stated): TOPMed below 0.00001.

Submission:

Labcorp Genetics (formerly Invitae), Labcorp
Classification: Uncertain significance. Last evaluated: 2023-04-24. Review status: criteria provided, single submitter. Criteria: Invitae Variant Classification Sherloc (09022015). Collection method: clinical testing. Allele origin: germline.
Comment: In summary, the available evidence is currently insufficient to determine the role of this variant in disease. Therefore, it has been classified as a Variant of Uncertain Significance. Experimental studies and prediction algorithms are not available or were not evaluated, and the functional significance of this variant is currently unknown. This variant has not been reported in the literature in individuals affected with CLTC-related conditions. This variant is not present in population databases (gnomAD no frequency). This sequence change replaces alanine, which is neutral and non-polar, with proline, which is neutral and non-polar, at codon 2 of the CLTC protein (p.Ala2Pro).

NM_004859.4(CLTC):c.4G>C (p.Ala2Pro)

Gene: CLTC (clathrin heavy chain; plus strand). Cytogenetic location: 17q23.1.
Variant type: single nucleotide variant.
Coding change: c.4G>C on transcript NM_004859.4 (MANE Select); coding-DNA position 4, G replaced by C.
Protein change: p.Ala2Pro; replaces alanine 2 with proline.
Molecular consequence: missense variant.
Genome position (GRCh38, 1-based): chr17:59,620,135, G>C. VCF-style: chr17-59620135-G-C. GRCh37 (hg19) VCF-style: chr17-57697496-G-C.
Other names: c.4G>C, p.Ala2Pro (NM_001288653.2); short protein forms A2P.
Identifiers: ClinVar variation 2858910 (VCV002858910.3), dbSNP rs1209338205, ClinGen allele CA400416069.